The following is an entry in ClinVar:

NM_005476.7(GNE):c.776_777del (p.Lys259fs)

Gene: GNE (glucosamine (UDP-N-acetyl)-2-epimerase/N-acetylmannosamine kinase; minus strand). Cytogenetic location: 9p13.3.
Variant type: Deletion.
Coding change: c.776_777del on transcript NM_005476.7 (MANE Select); coding-DNA positions 776 to 777, 2 bases deleted (AA; older notation c.776_777delAA).
Protein change: p.Lys259fs; shifts the reading frame from lysine 259.
Molecular consequence: frameshift variant.
Genome position (GRCh38, 1-based): chr9:36,234,125-36,234,126, TT deleted on the plus strand (AA on the coding strand, the reverse complement: GNE is on the minus strand); deleting any 2 consecutive bases within chr9:36,234,125-36,234,127 gives the same sequence; the c. name uses the placement nearest the transcript's 3' end. VCF-style (leftmost placement, unchanged base first): chr9-36234124-CTT-C. GRCh37 (hg19) VCF-style: chr9-36234121-CTT-C.
Other names: c.869_870del, p.Lys290fs (NM_001128227.3); c.776_777del, p.Lys259fs (NM_001190383.3); c.446_447del, p.Lys149fs (NM_001190384.3); c.599_600del, p.Lys200fs (NM_001190388.2, NM_001374798.1); c.623_624del, p.Lys208fs (NM_001374797.1); short protein forms K149fs, K200fs, K208fs, K259fs, K290fs.
Identifiers: ClinVar variation 5013028 (VCV005013028.1).
Genomic context (GRCh38, chr9:36,234,124, plus strand): 5'-TAACTGCACGAAAGTTGGGATGATGCTCAATGCCCTTCTTCCGCATCACTCGAACCATCT[CTT>C]TGCTCCCTATGAAAATGAAAAGAACCAATTGGTAAATGGTTTGTGAGATAAAGAAACCAT-3'

ClinVar aggregate classification (germline): Pathogenic (1 of 4 stars; one submission).

Conditions:
GNE myopathy (NM). Also called: INCLUSION BODY MYOPATHY 2, AUTOSOMAL RECESSIVE; MYOPATHY, DISTAL, WITH OR WITHOUT RIMMED VACUOLES; IBM 2; Inclusion body myopathy autosomal recessive; Inclusion body myopathy quadriceps sparing; NONAKA DISTAL MYOPATHY. Identifiers: Orphanet 602, MedGen C1853926, MONDO:0011603, OMIM 605820.

Submission:

Myriad Genetics, Inc.
Classification: Pathogenic for GNE myopathy. Last evaluated: 2024-05-10. Review status: criteria provided, single submitter. Criteria: Myriad Autosomal Dominant, Autosomal Recessive and X-Linked Classification Criteria (2023). Collection method: clinical testing. Allele origin: unknown.
Comment: NM_001128227.2(GNE):c.869_870delAA(K290Rfs*12) is expected to be pathogenic in the context of GNE myopathy. This variant is predicted to lead to an abnormal or absent protein product due to the creation of a premature termination codon in GNE, a gene where loss-of-function variants are known to be pathogenic. Please note: this variant was assessed in the context of healthy population screening.